The following is an entry in ClinVar:

NC_000005.9:g.(?_138253421)_(138253597_?)del

Gene: CTNNA1 (catenin alpha 1; plus strand). Cytogenetic location: 5q31.2.
Variant type: Deletion.
Identifiers: ClinVar variation 1064101 (VCV001064101.5).

ClinVar aggregate classification (germline): Pathogenic (1 of 4 stars; one submission).

Submission:

Labcorp Genetics (formerly Invitae), Labcorp
Classification: Pathogenic. Last evaluated: 2023-05-15. Review status: criteria provided, single submitter. Criteria: Invitae Variant Classification Sherloc (09022015). Collection method: clinical testing. Allele origin: germline.
Comment: This variant is a gross deletion of the genomic region encompassing exon(s) 11 of the CTNNA1 gene. This deletion is out-of-frame, and is expected to create a premature termination codon and result in an absent or disrupted protein product. Loss-of-function variants in CTNNA1 are known to be pathogenic (PMID: 32051609, 34425242). For these reasons, this variant has been classified as Pathogenic. This variant has not been reported in the literature in individuals affected with CTNNA1-related conditions.

Literature cited by the submitters: PubMed 32051609; PubMed 34425242.